The following is an entry in ClinVar:

ClinVar aggregate classification (germline): Likely pathogenic. Review status: criteria provided, multiple submitters, no conflicts (2 of 4 stars). 5 submissions from 5 submitters: Likely pathogenic (5). Last evaluated 2026-06-24.

Conditions:
Hereditary cancer-predisposing syndrome. Also called: Hereditary Cancer Syndrome; Neoplastic Syndromes, Hereditary; Hereditary neoplastic syndrome; Tumor predisposition. Identifiers: Orphanet 140162, MedGen C0027672, MeSH D009386, MONDO:0015356.
Bloom syndrome (BLM). Also called: Bloom-Torre-Machacek syndrome. Identifiers: Orphanet 125, MedGen C0005859, MONDO:0008876, OMIM 210900.

Allele frequency attached by ClinVar (database versions not stated): gnomAD 0.00001; TOPMed 0.00002.
gnomAD v4.1: 1 of 1,593,894 alleles (0.000063%); highest among the groups gnomAD compares: African/African-American, 0.0013%; no homozygotes.

Submissions (5):

Myriad Genetics, Inc.
Classification: Likely pathogenic for Bloom syndrome. Last evaluated: 2026-06-24. Review status: criteria provided, single submitter. Criteria: Myriad Autosomal Dominant, Autosomal Recessive and X-Linked Classification Criteria (2023). Collection method: clinical testing. Allele origin: unknown.
Comment: This variant is considered likely pathogenic. This variant occurs within a consensus splice junction and is predicted to result in abnormal mRNA splicing of either an out-of-frame exon or an in-frame exon necessary for protein stability and/or normal function.

Otogenetics
Classification: Likely pathogenic for Bloom syndrome. Last evaluated: 2026-02-08. Review status: criteria provided, single submitter. Criteria: ACMG Guidelines, 2015. Collection method: clinical testing. Allele origin: germline.

Labcorp Genetics (formerly Invitae), Labcorp
Classification: Likely pathogenic for Bloom syndrome. Last evaluated: 2024-05-13. Review status: criteria provided, single submitter. Criteria: Invitae Variant Classification Sherloc (09022015). Collection method: clinical testing. Allele origin: germline.
Comment: This sequence change affects an acceptor splice site in intron 8 of the BLM gene. RNA analysis indicates that disruption of this splice site induces altered splicing and may result in an absent or disrupted protein product. This variant is present in population databases (no rsID available, gnomAD no frequency). This variant has not been reported in the literature in individuals affected with BLM-related conditions. ClinVar contains an entry for this variant (Variation ID: 820660). Studies have shown that disruption of this splice site results in skipping of exon 6 and activation of a cryptic splice site and introduces a premature termination codon (Invitae). The resulting mRNA is expected to undergo nonsense-mediated decay. In summary, the currently available evidence indicates that the variant is pathogenic, but additional data are needed to prove that conclusively. Therefore, this variant has been classified as Likely Pathogenic.

Fulgent Genetics
Classification: Likely pathogenic for Bloom syndrome. Last evaluated: 2024-01-03. Review status: criteria provided, single submitter. Criteria: ACMG Guidelines, 2015. Collection method: clinical testing. Allele origin: germline.

Ambry Genetics
Classification: Likely pathogenic for Hereditary cancer-predisposing syndrome. Last evaluated: 2021-02-17. Review status: criteria provided, single submitter. Criteria: Ambry Variant Classification Scheme 2023. Collection method: clinical testing. Allele origin: germline.
Comment: The c.2075-1G>A intronic variant results from a G to A substitution one nucleotide upstream from coding exon 8 of the BLM gene. This variant was not reported in population-based cohorts in the Genome Aggregation Database (gnomAD). This nucleotide position is highly conserved in available vertebrate species. In silico splice site analysis predicts that this alteration will weaken the native splice acceptor site and will result in the creation or strengthening of a novel splice acceptor site. Alterations that disrupt the canonical splice site are expected to cause aberrant splicing, resulting in an abnormal protein or a transcript that is subject to nonsense-mediated mRNA decay. As such, this alteration is classified as likely pathogenic.

Literature cited by the submitters: PVS1: Null variant occurring in a canonical splice site (acceptor site) in gene with loss of function as mechanism of disease, disrupting the reading frame and predicted to undergo NMD (cited by Otogenetics); PM2: Variant not observed in gnomAD (<0.055% threshold) (cited by Otogenetics).

NM_000057.4(BLM):c.2075-1G>A

Gene: BLM (BLM RecQ like helicase; plus strand). Cytogenetic location: 15q26.1.
Variant type: single nucleotide variant.
Coding change: c.2075-1G>A on transcript NM_000057.4 (MANE Select); the canonical splice acceptor site of the intron before coding-DNA position 2075, G replaced by A.
Molecular consequence: splice acceptor variant.
Genome position (GRCh38, 1-based): chr15:90,765,295, G>A. VCF-style: chr15-90765295-G-A. GRCh37 (hg19) VCF-style: chr15-91308525-G-A.
Other names: c.2075-1G>A (NM_001287246.2, NM_001287247.2); c.950-1G>A (NM_001287248.2).
Identifiers: ClinVar variation 820660 (VCV000820660.15), dbSNP rs1231598990, ClinGen allele CA393844504.
Genomic context (GRCh38, chr15:90,765,295, plus strand): 5'-CTTTTACATTCATGCTCTGAAGACAGAACCTGACAGATATTTTTTCATTGTTCTCTTTCA[G>A]GAGGTGGTAAGAGTTTGTGTTACCAGCTCCCTGCCTGTGTTTCTCCTGGGGTCACTGTTG-3'